The following is an entry in ClinVar:

NM_006767.4(LZTR1):c.366G>A (p.Ser122=)

Gene: LZTR1 (leucine zipper like post translational regulator 1; plus strand). Cytogenetic location: 22q11.21.
Variant type: single nucleotide variant.
Coding change: c.366G>A on transcript NM_006767.4 (MANE Select); coding-DNA position 366, G replaced by A.
Protein change: p.Ser122=; no amino-acid change (serine 122 retained).
Molecular consequence: synonymous variant.
Genome position (GRCh38, 1-based): chr22:20,987,549, G>A. VCF-style: chr22-20987549-G-A. GRCh37 (hg19) VCF-style: chr22-21341838-G-A.
Identifiers: ClinVar variation 704556 (VCV000704556.24), dbSNP rs367767120, ClinGen allele CA10118390.
Genomic context (GRCh38, chr22:20,987,549, plus strand): 5'-CTGTGCCCACCCCAGGGCCTTTACCACTGGGACCCCACCGGCCCCCCGTTACCACCACTC[G>A]GCCGTCGTCTATGGGAGCAGCATGTTTGTCTTTGGTAAGCAGCCTCTTGCCTCCCAGGGG-3'
Protein context (NP_006758.2, residues 112-132): GTPPAPRYHH[Ser122=]AVVYGSSMFV

ClinVar aggregate classification (germline): Benign/Likely benign. Review status: criteria provided, multiple submitters, no conflicts (2 of 4 stars). 6 submissions from 6 submitters: Benign (1); Likely benign (4). 1 of the submissions does not count toward it. Last evaluated 2026-04-01.

Conditions:
LZTR1-related disorder. Also called: LZTR1-related disorders; LZTR1-related condition.
Hereditary cancer-predisposing syndrome. Also called: Neoplastic Syndromes, Hereditary; Tumor predisposition; Hereditary Cancer Syndrome; Hereditary neoplastic syndrome. Identifiers: Orphanet 140162, MedGen C0027672, MeSH D009386, MONDO:0015356.
Cardiovascular phenotype. Identifiers: MedGen CN230736.

Allele frequency attached by ClinVar (database versions not stated): ESP Exome Variant Server 0.00008; gnomAD 0.00009 and 0.00010; gnomAD exomes 0.00010; ExAC 0.00011; TOPMed 0.00011.
gnomAD v4.1: 121 of 1,613,942 alleles (0.0075%); highest among the groups gnomAD compares: South Asian, 0.041%; no homozygotes.

Submissions (6):

CeGaT Center for Human Genetics Tuebingen
Classification: Likely benign. Last evaluated: 2026-04-01. Review status: criteria provided, single submitter. Criteria: CeGaT Center For Human Genetics Tuebingen Variant Classification Criteria Version 2. Collection method: clinical testing. Allele origin: germline. Affected: yes. Observed: 2 variant alleles.
Comment: LZTR1: BP4, BP7

Labcorp Genetics (formerly Invitae), Labcorp
Classification: Likely benign. Last evaluated: 2026-01-26. Review status: criteria provided, single submitter. Criteria: Invitae Variant Classification Sherloc (09022015). Collection method: clinical testing. Allele origin: germline.

Blueprint Genetics
Classification: Likely benign. Last evaluated: 2024-01-23. Review status: criteria provided, single submitter. Criteria: ACMG Guidelines, 2015. Collection method: clinical testing. Allele origin: germline.

Women's Health and Genetics/Laboratory Corporation of America, LabCorp
Classification: Benign. Last evaluated: 2023-02-13. Review status: criteria provided, single submitter. Criteria: LabCorp Variant Classification Summary - May 2015. Collection method: clinical testing. Allele origin: germline.

Ambry Genetics
Classification: Likely benign for Cardiovascular phenotype; Hereditary cancer-predisposing syndrome. Last evaluated: 2023-02-08. Review status: criteria provided, single submitter. Criteria: Ambry Variant Classification Scheme 2023. Collection method: clinical testing. Allele origin: germline.

PreventionGenetics, part of Exact Sciences
Classification: Likely benign for LZTR1-related condition. Last evaluated: 2019-12-18. Review status: no assertion criteria provided. Collection method: clinical testing. Allele origin: germline. Not counted in ClinVar's aggregate classification.
Comment: This variant is classified as likely benign based on ACMG/AMP sequence variant interpretation guidelines (Richards et al. 2015 PMID: 25741868, with internal and published modifications).